The following is an entry in ClinVar:

ClinVar aggregate classification (germline): Uncertain significance (1 of 4 stars; one submission).

gnomAD v4.1: 6 of 1,611,678 alleles (0.00037%); highest among the groups gnomAD compares: Non-Finnish European, 0.00051%; no homozygotes.

Submission:

Labcorp Genetics (formerly Invitae), Labcorp
Classification: Uncertain significance. Last evaluated: 2024-10-26. Review status: criteria provided, single submitter. Criteria: Invitae Variant Classification Sherloc (09022015). Collection method: clinical testing. Allele origin: germline.
Comment: This sequence change replaces alanine, which is neutral and non-polar, with proline, which is neutral and non-polar, at codon 31 of the TNFRSF6B protein (p.Ala31Pro). The frequency data for this variant in the population databases is considered unreliable, as metrics indicate poor data quality at this position in the gnomAD database. This variant has not been reported in the literature in individuals affected with TNFRSF6B-related conditions. Experimental studies and prediction algorithms are not available or were not evaluated, and the functional significance of this variant is currently unknown. In summary, the available evidence is currently insufficient to determine the role of this variant in disease. Therefore, it has been classified as a Variant of Uncertain Significance.

NM_003823.4(TNFRSF6B):c.91G>C (p.Ala31Pro)

Genes: RTEL1-TNFRSF6B (RTEL1-TNFRSF6B readthrough (NMD candidate); plus strand), TNFRSF6B (TNF receptor superfamily member 6b; plus strand). Cytogenetic location: 20q13.33.
Variant type: single nucleotide variant.
Coding change: c.91G>C on transcript NM_003823.4 (MANE Select); coding-DNA position 91, G replaced by C.
Protein change: p.Ala31Pro; replaces alanine 31 with proline.
Molecular consequence: missense variant. On other transcripts: non-coding transcript variant (1).
Genome position (GRCh38, 1-based): chr20:63,696,858, G>C. VCF-style: chr20-63696858-G-C. GRCh37 (hg19) VCF-style: chr20-62328211-G-C.
Other names: short protein forms A31P.
Identifiers: ClinVar variation 3628745 (VCV003628745.2).